The following is an entry in ClinVar:

NM_018249.6(CDK5RAP2):c.5212C>G (p.Leu1738Val)

Gene: CDK5RAP2 (CDK5 regulatory subunit associated protein 2; minus strand). Cytogenetic location: 9q33.2.
Variant type: single nucleotide variant.
Coding change: c.5212C>G on transcript NM_018249.6 (MANE Select); coding-DNA position 5212, C replaced by G.
Protein change: p.Leu1738Val; replaces leucine 1738 with valine.
Molecular consequence: missense variant. On other transcripts: non-coding transcript variant (5).
Genome position (GRCh38, 1-based): chr9:120,402,901, G>C on the plus strand (C>G on the coding strand, the complement: CDK5RAP2 is on the minus strand). VCF-style: chr9-120402901-G-C. GRCh37 (hg19) VCF-style: chr9-123165179-G-C.
Other names: c.4975C>G, p.Leu1659Val (NM_001011649.3); c.4522C>G, p.Leu1508Val (NM_001272039.2); c.5113C>G, p.Leu1705Val (NM_001410992.1); c.5116C>G, p.Leu1706Val (NM_001410993.1); c.5209C>G, p.Leu1737Val (NM_001410994.1); short protein forms L1508V, L1659V, L1705V, L1706V, L1737V, L1738V.
Identifiers: ClinVar variation 2439881 (VCV002439881.6), dbSNP rs572551421, ClinGen allele CA5213337.

ClinVar aggregate classification (germline): Uncertain significance. Review status: criteria provided, multiple submitters, no conflicts (2 of 4 stars). 2 submissions from 2 submitters: Uncertain significance (2). Last evaluated 2024-01-18.

Conditions:
Microcephaly 3, primary, autosomal recessive. Identifiers: Orphanet 2512, MedGen C1858108, MONDO:0011488, OMIM 604804.

Allele frequency attached by ClinVar (database versions not stated): gnomAD 0.00001; 1000 Genomes Project 30x 0.00016; 1000 Genomes Project 0.00020.
gnomAD v4.1: 12 of 1,614,108 alleles (0.00074%); highest among the groups gnomAD compares: South Asian, 0.013%; no homozygotes.

Submissions (2):

Labcorp Genetics (formerly Invitae), Labcorp
Classification: Uncertain significance. Last evaluated: 2024-01-18. Review status: criteria provided, single submitter. Criteria: Invitae Variant Classification Sherloc (09022015). Collection method: clinical testing. Allele origin: germline.
Comment: This sequence change replaces leucine, which is neutral and non-polar, with valine, which is neutral and non-polar, at codon 1738 of the CDK5RAP2 protein (p.Leu1738Val). This variant is present in population databases (rs572551421, gnomAD 0.02%). This variant has not been reported in the literature in individuals affected with CDK5RAP2-related conditions. ClinVar contains an entry for this variant (Variation ID: 2439881). An algorithm developed to predict the effect of missense changes on protein structure and function (PolyPhen-2) suggests that this variant is likely to be tolerated. In summary, the available evidence is currently insufficient to determine the role of this variant in disease. Therefore, it has been classified as a Variant of Uncertain Significance.

Revvity Omics, Revvity
Classification: Uncertain significance for Microcephaly 3, primary, autosomal recessive. Last evaluated: 2019-02-20. Review status: criteria provided, single submitter. Criteria: ACMG Guidelines, 2015. Collection method: clinical testing. Allele origin: germline.